The following is an entry in ClinVar:

NM_004655.4(AXIN2):c.2127G>A (p.Lys709=)

Gene: AXIN2 (axin 2; minus strand). Cytogenetic location: 17q24.1.
Variant type: single nucleotide variant.
Coding change: c.2127G>A on transcript NM_004655.4 (MANE Select); coding-DNA position 2127, G replaced by A.
Protein change: p.Lys709=; no amino-acid change (lysine 709 retained).
Molecular consequence: synonymous variant.
Genome position (GRCh38, 1-based): chr17:65,536,334, C>T on the plus strand (G>A on the coding strand, the complement: AXIN2 is on the minus strand). VCF-style: chr17-65536334-C-T. GRCh37 (hg19) VCF-style: chr17-63532452-C-T.
Other names: c.1932G>A, p.Lys644= (NM_001363813.1).
Identifiers: ClinVar variation 2471680 (VCV002471680.6), dbSNP rs2144439196, ClinGen allele CA501476176.

ClinVar aggregate classification (germline): Benign/Likely benign. Review status: criteria provided, multiple submitters, no conflicts (2 of 4 stars). 3 submissions from 3 submitters: Benign (1); Likely benign (2). Last evaluated 2024-07-09.

Conditions:
Hereditary cancer-predisposing syndrome. Also called: Neoplastic Syndromes, Hereditary; Hereditary neoplastic syndrome; Tumor predisposition; Hereditary Cancer Syndrome. Identifiers: Orphanet 140162, MedGen C0027672, MeSH D009386, MONDO:0015356.
Oligodontia-cancer predisposition syndrome. Also called: TOOTH AGENESIS-COLORECTAL CANCER SYNDROME. Identifiers: Orphanet 300576, MedGen C1837750, MONDO:0012075, OMIM 608615. Disease mechanism: loss of function.

Submissions (3):

Myriad Genetics, Inc.
Classification: Benign for Oligodontia-cancer predisposition syndrome. Last evaluated: 2024-07-09. Review status: criteria provided, single submitter. Criteria: Myriad Autosomal Dominant, Autosomal Recessive and X-Linked Classification Criteria (2023). Collection method: clinical testing. Allele origin: unknown.
Comment: This variant is considered benign. This variant is a silent/synonymous amino acid change and it is not expected to impact splicing.

Labcorp Genetics (formerly Invitae), Labcorp
Classification: Likely benign for Oligodontia-cancer predisposition syndrome. Last evaluated: 2023-11-30. Review status: criteria provided, single submitter. Criteria: Invitae Variant Classification Sherloc (09022015). Collection method: clinical testing. Allele origin: germline.

Ambry Genetics
Classification: Likely benign for Hereditary cancer-predisposing syndrome. Last evaluated: 2023-01-01. Review status: criteria provided, single submitter. Criteria: Ambry Variant Classification Scheme 2023. Collection method: clinical testing. Allele origin: germline.